The following is an entry in ClinVar:

ClinVar aggregate classification (germline): Conflicting classifications of pathogenicity. Review status: criteria provided, conflicting classifications (1 of 4 stars). 5 submissions from 5 submitters: Uncertain significance (4); Likely benign (1). Last evaluated 2026-06-01.

Conditions:
Inborn genetic diseases. Identifiers: MedGen C0950123, MeSH D030342.
Bethlem myopathy 1A. Also called: MYOPATHY, BENIGN CONGENITAL, WITH CONTRACTURES; Bethlem myopathy 1; Bethlem Muscular Dystrophy. Identifiers: Orphanet 610, MedGen CN029274, MONDO:0024530, OMIM 158810.

Allele frequency attached by ClinVar (database versions not stated): TOPMed 0.00001.
gnomAD v4.1: 39 of 1,614,078 alleles (0.0024%); highest among the groups gnomAD compares: Non-Finnish European, 0.0031%; no homozygotes.

Submissions (5):

CeGaT Center for Human Genetics Tuebingen
Classification: Uncertain significance. Last evaluated: 2026-06-01. Review status: criteria provided, single submitter. Criteria: CeGaT Center For Human Genetics Tuebingen Variant Classification Criteria Version 2. Collection method: clinical testing. Allele origin: germline. Affected: yes. Observed: 3 variant alleles.
Comment: COL6A3: PM2

Ambry Genetics
Classification: Uncertain significance for Inborn genetic diseases. Last evaluated: 2025-12-08. Review status: criteria provided, single submitter. Criteria: Ambry Variant Classification Scheme 2023. Collection method: clinical testing. Allele origin: germline.

GeneDx
Classification: Uncertain significance. Last evaluated: 2025-09-03. Review status: criteria provided, single submitter. Criteria: GeneDx Variant Classification Process June 2021. Collection method: clinical testing. Allele origin: germline.
Comment: In silico analysis supports that this missense variant has a deleterious effect on protein structure/function; Has not been previously published as pathogenic or benign to our knowledge; This variant is associated with the following publications: (PMID: 28569743)

Labcorp Genetics (formerly Invitae), Labcorp
Classification: Likely benign for Bethlem myopathy 1A. Last evaluated: 2025-03-24. Review status: criteria provided, single submitter. Criteria: Invitae Variant Classification Sherloc (09022015). Collection method: clinical testing. Allele origin: germline.

Blueprint Genetics
Classification: Uncertain significance. Last evaluated: 2024-09-05. Review status: criteria provided, single submitter. Criteria: ACMG Guidelines, 2015. Collection method: clinical testing. Allele origin: germline.

NM_004369.4(COL6A3):c.1791C>A (p.Phe597Leu)

Gene: COL6A3 (collagen type VI alpha 3 chain; minus strand). Cytogenetic location: 2q37.3.
Variant type: single nucleotide variant.
Coding change: c.1791C>A on transcript NM_004369.4 (MANE Select); coding-DNA position 1791, C replaced by A.
Protein change: p.Phe597Leu; replaces phenylalanine 597 with leucine.
Molecular consequence: missense variant.
Genome position (GRCh38, 1-based): chr2:237,381,021, G>T on the plus strand (C>A on the coding strand, the complement: COL6A3 is on the minus strand). VCF-style: chr2-237381021-G-T. GRCh37 (hg19) VCF-style: chr2-238289664-G-T.
Other names: c.570C>A, p.Phe190Leu (NM_057164.5, NM_057166.5); c.1173C>A, p.Phe391Leu (NM_057165.5, NM_057167.4); short protein forms F190L, F597L, F391L.
Identifiers: ClinVar variation 665002 (VCV000665002.33), dbSNP rs76576170, ClinGen allele CA2189556.